The following is an entry in ClinVar:

ClinVar aggregate classification (germline): Benign. Review status: criteria provided, multiple submitters, no conflicts (2 of 4 stars). 2 submissions from 2 submitters: Benign (2). Last evaluated 2018-06-16.

Allele frequency attached by ClinVar (database versions not stated): 1000 Genomes Project 30x 0.15881; gnomAD exomes 0.24603; TOPMed 0.23223; 1000 Genomes Project 0.16134; gnomAD 0.25164 and 0.25272.
gnomAD v4.1: 38,302 of 152,244 alleles (25%); highest among the groups gnomAD compares: Non-Finnish European, 36%; 6,135 homozygotes.

Submissions (2):

GeneDx
Classification: Benign. Last evaluated: 2018-06-16. Review status: criteria provided, single submitter. Criteria: GeneDx Variant Classification (06012015). Collection method: clinical testing. Allele origin: germline. Affected: yes.
Comment: This variant is considered likely benign or benign based on one or more of the following criteria: it is a conservative change, it occurs at a poorly conserved position in the protein, it is predicted to be benign by multiple in silico algorithms, and/or has population frequency not consistent with disease.

Breakthrough Genomics
Classification: Benign. Review status: criteria provided, single submitter. Criteria: ACMG Guidelines, 2015. Collection method: not provided. Allele origin: germline. Inheritance: Autosomal dominant inheritance. Affected: yes.

NM_144599.4(NIPA1):c.-359C>G

Gene: NIPA1 (NIPA magnesium transporter 1; plus strand). Cytogenetic location: 15q11.2.
Variant type: single nucleotide variant.
Coding change: c.-359C>G on transcript NM_144599.4; 359 bases upstream of the start codon, C replaced by G.
Molecular consequence: intron variant (on NM_001142275.1).
Genome position (GRCh38, 1-based): chr15:22,786,298, C>G. VCF-style: chr15-22786298-C-G. GRCh37 (hg19) VCF-style: chr15-23086770-G-C.
Other names: c.-48+50C>G (NM_001142275.1).
Identifiers: ClinVar variation 679847 (VCV000679847.4), dbSNP rs62001112, ClinGen allele CA14127282.